The following is an entry in ClinVar:

NM_001365951.3(KIF1B):c.2791A>G (p.Met931Val)

Genes: KIF1B (kinesin family member 1B; plus strand), LOC126805614 (BRD4-independent group 4 enhancer GRCh37_chr1:10385546-10386745; plus strand). Cytogenetic location: 1p36.22.
Variant type: single nucleotide variant.
Coding change: c.2791A>G on transcript NM_001365951.3 (MANE Select); coding-DNA position 2791, A replaced by G.
Protein change: p.Met931Val; replaces methionine 931 with valine.
Molecular consequence: missense variant.
Genome position (GRCh38, 1-based): chr1:10,326,226, A>G. VCF-style: chr1-10326226-A-G. GRCh37 (hg19) VCF-style: chr1-10386284-A-G.
Other names: c.2791A>G, p.Met931Val (NM_001365952.1); c.2653A>G, p.Met885Val (NM_015074.3); short protein forms M885V, M931V.
Identifiers: ClinVar variation 2497124 (VCV002497124.2), dbSNP rs2521639726, ClinGen allele CA338337155.

ClinVar aggregate classification (germline): Uncertain significance (1 of 4 stars; one submission).

Submission:

Ambry Genetics
Classification: Uncertain significance. Last evaluated: 2023-02-16. Review status: criteria provided, single submitter. Criteria: Ambry Variant Classification Scheme 2023. Collection method: clinical testing. Allele origin: germline.
Comment: The p.M885V variant (also known as c.2653A>G), located in coding exon 24 of the KIF1B gene, results from an A to G substitution at nucleotide position 2653. The methionine at codon 885 is replaced by valine, an amino acid with highly similar properties. This amino acid position is conserved. In addition, this alteration is predicted to be tolerated by in silico analysis. Since supporting evidence is limited at this time, the clinical significance of this alteration remains unclear.